The following is an entry in ClinVar:

ClinVar aggregate classification (germline): Uncertain significance (1 of 4 stars; one submission).

Allele frequency attached by ClinVar (database versions not stated): gnomAD exomes below 0.00001.
gnomAD v4.1: 1 of 1,614,138 alleles (0.000062%); highest among the groups gnomAD compares: Non-Finnish European, 0.000085%; no homozygotes.

Submission:

Labcorp Genetics (formerly Invitae), Labcorp
Classification: Uncertain significance. Last evaluated: 2020-10-19. Review status: criteria provided, single submitter. Criteria: Invitae Variant Classification Sherloc (09022015). Collection method: clinical testing. Allele origin: germline.
Comment: This variant is not present in population databases (ExAC no frequency). This variant has not been reported in the literature in individuals with NLRP1-related conditions. Algorithms developed to predict the effect of missense changes on protein structure and function (SIFT, PolyPhen-2, Align-GVGD) all suggest that this variant is likely to be tolerated, but these predictions have not been confirmed by published functional studies and their clinical significance is uncertain. In summary, the available evidence is currently insufficient to determine the role of this variant in disease. Therefore, it has been classified as a Variant of Uncertain Significance. This sequence change replaces cysteine with serine at codon 551 of the NLRP1 protein (p.Cys551Ser). The cysteine residue is moderately conserved and there is a moderate physicochemical difference between cysteine and serine.

NM_033004.4(NLRP1):c.1652G>C (p.Cys551Ser)

Gene: NLRP1 (NLR family pyrin domain containing 1; minus strand). Cytogenetic location: 17p13.2.
Variant type: single nucleotide variant.
Coding change: c.1652G>C on transcript NM_033004.4 (MANE Select); coding-DNA position 1652, G replaced by C.
Protein change: p.Cys551Ser; replaces cysteine 551 with serine.
Molecular consequence: missense variant.
Genome position (GRCh38, 1-based): chr17:5,559,044, C>G on the plus strand (G>C on the coding strand, the complement: NLRP1 is on the minus strand). VCF-style: chr17-5559044-C-G. GRCh37 (hg19) VCF-style: chr17-5462364-C-G.
Other names: c.1652G>C, p.Cys551Ser (NM_001033053.3, NM_014922.5, NM_033006.4 and 1 more transcripts); short protein forms C551S.
Identifiers: ClinVar variation 1020796 (VCV001020796.8), dbSNP rs1914435612, ClinGen allele CA397384938.
Genomic context (GRCh38, chr17:5,559,044, plus strand): 5'-AGGTCTCTGAGCTGGGGTCCCAATGGCTGAGCTTGGAGAGCCTGGGCAAGGTAATGTAGA[C>G]AGAGGGTTGTGGTGGTCTTGGAAGTCAGTGTGAGTTTTTCCTTCCGCTTCATCTGCTGCA-3'
Protein context (NP_127497.1, residues 541-561): TLTSKTTTTL[Cys551Ser]LHYLAQALQA